The following is an entry in ClinVar:

ClinVar aggregate classification (germline): Conflicting classifications of pathogenicity. Review status: criteria provided, conflicting classifications (1 of 4 stars). 2 submissions from 2 submitters: Uncertain significance (1); Likely benign (1). Last evaluated 2024-06-11.

Conditions:
Inborn genetic diseases. Identifiers: MedGen C0950123, MeSH D030342.
Treacher Collins syndrome 1 (TCS1). Also called: TCOF1-Related Treacher Collins Syndrome. Identifiers: Orphanet 861, MedGen CN315775, MONDO:0007944, OMIM 154500.

Allele frequency attached by ClinVar (database versions not stated): TOPMed 0.00004; gnomAD 0.00005.
gnomAD v4.1: 44 of 1,613,946 alleles (0.0027%); highest among the groups gnomAD compares: African/African-American, 0.012%; no homozygotes.

Submissions (2):

Ambry Genetics
Classification: Likely benign for Inborn genetic diseases. Last evaluated: 2024-06-11. Review status: criteria provided, single submitter. Criteria: Ambry Variant Classification Scheme 2023. Collection method: clinical testing. Allele origin: germline.

Labcorp Genetics (formerly Invitae), Labcorp
Classification: Uncertain significance for Treacher Collins syndrome 1. Last evaluated: 2023-07-03. Review status: criteria provided, single submitter. Criteria: Invitae Variant Classification Sherloc (09022015). Collection method: clinical testing. Allele origin: germline.
Comment: In summary, the available evidence is currently insufficient to determine the role of this variant in disease. Therefore, it has been classified as a Variant of Uncertain Significance. Advanced modeling of protein sequence and biophysical properties (such as structural, functional, and spatial information, amino acid conservation, physicochemical variation, residue mobility, and thermodynamic stability) performed at Invitae indicates that this missense variant is not expected to disrupt TCOF1 protein function. This variant has not been reported in the literature in individuals affected with TCOF1-related conditions. This variant is present in population databases (rs757336927, gnomAD 0.008%). This sequence change replaces alanine, which is neutral and non-polar, with threonine, which is neutral and polar, at codon 797 of the TCOF1 protein (p.Ala797Thr).

NM_001371623.1(TCOF1):c.2389G>A (p.Ala797Thr)

Gene: TCOF1 (treacle ribosome biogenesis factor 1; plus strand). Cytogenetic location: 5q32.
Variant type: single nucleotide variant.
Coding change: c.2389G>A on transcript NM_001371623.1 (MANE Select); coding-DNA position 2389, G replaced by A.
Protein change: p.Ala797Thr; replaces alanine 797 with threonine.
Molecular consequence: missense variant.
Genome position (GRCh38, 1-based): chr5:150,378,953, G>A. VCF-style: chr5-150378953-G-A. GRCh37 (hg19) VCF-style: chr5-149758516-G-A.
Other names: c.2158G>A, p.Ala720Thr (NM_000356.4, NM_001135245.2); c.2389G>A, p.Ala797Thr (NM_001008657.3, NM_001135243.2, NM_001135244.2 and 1 more transcripts); c.2389G>A (NM_001135243.1); short protein forms A797T, A720T.
Identifiers: ClinVar variation 2807953 (VCV002807953.4), dbSNP rs757336927, ClinGen allele CA3511158.
Genomic context (GRCh38, chr5:150,378,953, plus strand): 5'-TTCTCCACTCAGGTGAAAACCTCAGTAAAGAAAACCCAGGCCAAAGCCAACCCAGCTGCC[G>A]CCAGAGCACCTTCAGCAAAAGGGACAATTTCAGCCCCTGGAAAAGTTGTCACTGCAGCTG-3'
Protein context (NP_001358552.1, residues 787-807): KTQAKANPAA[Ala797Thr]RAPSAKGTIS